The following is an entry in ClinVar:

NM_001277115.2(DNAH11):c.4744G>T (p.Ala1582Ser)

Gene: DNAH11 (dynein axonemal heavy chain 11; plus strand). Cytogenetic location: 7p15.3.
Variant type: single nucleotide variant.
Coding change: c.4744G>T on transcript NM_001277115.2 (MANE Select); coding-DNA position 4744, G replaced by T.
Protein change: p.Ala1582Ser; replaces alanine 1582 with serine.
Molecular consequence: missense variant.
Genome position (GRCh38, 1-based): chr7:21,637,629, G>T. VCF-style: chr7-21637629-G-T. GRCh37 (hg19) VCF-style: chr7-21677247-G-T.
Other names: short protein forms A1582S.
Identifiers: ClinVar variation 4597566 (VCV004597566.1).

ClinVar aggregate classification (germline): Uncertain significance (1 of 4 stars; one submission).

Conditions:
Primary ciliary dyskinesia. Also called: Ciliary dyskinesia. Identifiers: Orphanet 244, MedGen C0008780, MONDO:0016575, HP:0012265.

Submission:

Ambry Genetics
Classification: Uncertain significance for Primary ciliary dyskinesia. Last evaluated: 2025-10-27. Review status: criteria provided, single submitter. Criteria: Ambry Variant Classification Scheme 2023. Collection method: clinical testing. Allele origin: germline.
Comment: The p.A1582S variant (also known as c.4744G>T), located in coding exon 27 of the DNAH11 gene, results from a G to T substitution at nucleotide position 4744. The alanine at codon 1582 is replaced by serine, an amino acid with similar properties. This amino acid position is conserved. In addition, this alteration is predicted to be tolerated by in silico analysis. Based on the available evidence, the clinical significance of this variant remains unclear.